The following is an entry in ClinVar:

NM_020964.3(EPG5):c.4205+4A>T

Gene: EPG5 (ectopic P-granules 5 autophagy tethering factor; minus strand). Cytogenetic location: 18q21.1.
Variant type: single nucleotide variant.
Coding change: c.4205+4A>T on transcript NM_020964.3 (MANE Select); 4 bases into the intron after coding-DNA position 4205, A replaced by T.
Molecular consequence: intron variant.
Genome position (GRCh38, 1-based): chr18:45,910,517, T>A on the plus strand (A>T on the coding strand, the complement: EPG5 is on the minus strand). VCF-style: chr18-45910517-T-A. GRCh37 (hg19) VCF-style: chr18-43490482-T-A.
Identifiers: ClinVar variation 1413055 (VCV001413055.4), dbSNP rs1281050179, ClinGen allele CA989865682.
Genomic context (GRCh38, chr18:45,910,517, plus strand): 5'-AACTGCTCCAGCATAGTACCTGTGCTGCAAACAACAATGTAGGTGGCTAAATAACCATAC[T>A]CACCTCACCAGCTCCTTGTGCAGTTCTGGTGAAGTCAGGTAACCAGGGGTGCCAGAGTGG-3'

ClinVar aggregate classification (germline): Uncertain significance (1 of 4 stars; one submission).

Conditions:
Vici syndrome (VICIS). Identifiers: Orphanet 1493, MedGen C1855772, MONDO:0009452, OMIM 242840.

Allele frequency attached by ClinVar (database versions not stated): gnomAD exomes below 0.00001; TOPMed below 0.00001.
gnomAD v4.1: 2 of 1,594,804 alleles (0.00013%); highest among the groups gnomAD compares: Admixed American, 0.0035%; no homozygotes.

Submission:

Labcorp Genetics (formerly Invitae), Labcorp
Classification: Uncertain significance for Vici syndrome. Last evaluated: 2021-01-08. Review status: criteria provided, single submitter. Criteria: Invitae Variant Classification Sherloc (09022015). Collection method: clinical testing. Allele origin: germline.
Comment: This sequence change falls in intron 23 of the EPG5 gene. It does not directly change the encoded amino acid sequence of the EPG5 protein. It affects a nucleotide within the consensus splice site of the intron. This variant is not present in population databases (ExAC no frequency). This variant has not been reported in the literature in individuals with EPG5-related conditions. Nucleotide substitutions within the consensus splice site are a relatively common cause of aberrant splicing (PMID: 17576681, 9536098). Algorithms developed to predict the effect of sequence changes on RNA splicing suggest that this variant may disrupt the consensus splice site, but this prediction has not been confirmed by published transcriptional studies. In summary, the available evidence is currently insufficient to determine the role of this variant in disease. Therefore, it has been classified as a Variant of Uncertain Significance.

Literature cited by the submitters: PubMed 17576681; PubMed 9536098.